The following is an entry in ClinVar:

ClinVar aggregate classification (germline): Uncertain significance (1 of 4 stars; one submission).

Conditions:
Pyogenic arthritis-pyoderma gangrenosum-acne syndrome (PAPA). Also called: FAMILIAL RECURRENT ARTHRITIS; PAPA SYNDROME. Identifiers: Orphanet 69126, MedGen C1858361, MONDO:0011462, OMIM 604416.

gnomAD v4.1: 1 of 1,554,556 alleles (0.000064%); highest among the groups gnomAD compares: Non-Finnish European, 0.000087%; no homozygotes.

Submission:

Labcorp Genetics (formerly Invitae), Labcorp
Classification: Uncertain significance for Pyogenic arthritis-pyoderma gangrenosum-acne syndrome. Last evaluated: 2023-10-03. Review status: criteria provided, single submitter. Criteria: Invitae Variant Classification Sherloc (09022015). Collection method: clinical testing. Allele origin: germline.
Comment: This sequence change replaces leucine, which is neutral and non-polar, with valine, which is neutral and non-polar, at codon 102 of the PSTPIP1 protein (p.Leu102Val). This variant is not present in population databases (gnomAD no frequency). This variant has not been reported in the literature in individuals affected with PSTPIP1-related conditions. ClinVar contains an entry for this variant (Variation ID: 1026564). Advanced modeling of protein sequence and biophysical properties (such as structural, functional, and spatial information, amino acid conservation, physicochemical variation, residue mobility, and thermodynamic stability) performed at Invitae indicates that this missense variant is not expected to disrupt PSTPIP1 protein function. In summary, the available evidence is currently insufficient to determine the role of this variant in disease. Therefore, it has been classified as a Variant of Uncertain Significance.

NM_003978.5(PSTPIP1):c.304C>G (p.Leu102Val)

Gene: PSTPIP1 (proline-serine-threonine phosphatase interacting protein 1; plus strand). Cytogenetic location: 15q24.3.
Variant type: single nucleotide variant.
Coding change: c.304C>G on transcript NM_003978.5 (MANE Select); coding-DNA position 304, C replaced by G.
Protein change: p.Leu102Val; replaces leucine 102 with valine.
Molecular consequence: missense variant. On other transcripts: non-coding transcript variant (1).
Genome position (GRCh38, 1-based): chr15:77,025,554, C>G. VCF-style: chr15-77025554-C-G. GRCh37 (hg19) VCF-style: chr15-77317895-C-G.
Other names: c.304C>G, p.Leu102Val (NM_001321135.2); c.277C>G, p.Leu93Val (NM_001321136.2); c.499C>G, p.Leu167Val (NM_001321137.1); short protein forms L102V, L167V, L93V.
Identifiers: ClinVar variation 1026564 (VCV001026564.10), dbSNP rs1401702747, ClinGen allele CA393518933.
Genomic context (GRCh38, chr15:77,025,554, plus strand): 5'-CCAGAAATGGAGAATGTGGGCAGCTCACACATCCAGCTGGCCCTGACCCTGCGTGAGGAG[C>G]TGCGGAGTCTCGAGGAGTTTCGTGAGAGGCAGAAGGAGCAGAGGAAGAAGGTGAGGCAGG-3'
Protein context (NP_003969.2, residues 92-112): IQLALTLREE[Leu102Val]RSLEEFRERQ